The following is an entry in ClinVar:

ClinVar aggregate classification (germline): Uncertain significance. Review status: criteria provided, multiple submitters, no conflicts (2 of 4 stars). 3 submissions from 3 submitters: Uncertain significance (3). Last evaluated 2023-06-16.

Conditions:
Hereditary cancer-predisposing syndrome. Also called: Neoplastic Syndromes, Hereditary; Hereditary Cancer Syndrome; Hereditary neoplastic syndrome; Tumor predisposition. Identifiers: Orphanet 140162, MedGen C0027672, MeSH D009386, MONDO:0015356.
Tumor predisposition syndrome 3 (TPDS3). Also called: Glioma susceptibility 9; LONG TELOMERE SYNDROME, POT1-RELATED; POT1 Tumor Predisposition; Melanoma, cutaneous malignant, susceptibility to, 10. Identifiers: Orphanet 618, MedGen C4014476, MONDO:0014368, OMIM 615848.

Allele frequency attached by ClinVar (database versions not stated): TOPMed 0.00001.

Submissions (3):

Quest Diagnostics Nichols Institute San Juan Capistrano
Classification: Uncertain significance. Last evaluated: 2023-06-16. Review status: criteria provided, single submitter. Criteria: Quest Diagnostics criteria. Collection method: clinical testing. Allele origin: unknown.
Comment: This variant has not been reported in the published literature. It also has not been reported in large, multi-ethnic general populations (Genome Aggregation Database). Analysis of this variant using bioinformatics tools for the prediction of the effect of amino acid changes on protein structure and function yielded predictions that this variant is benign. Based on the available information, we are unable to determine the clinical significance of this variant.

Ambry Genetics
Classification: Uncertain significance for Hereditary cancer-predisposing syndrome. Last evaluated: 2023-03-02. Review status: criteria provided, single submitter. Criteria: Ambry Variant Classification Scheme 2023. Collection method: clinical testing. Allele origin: germline.
Comment: The p.S582R variant (also known as c.1746T>G), located in coding exon 14 of the POT1 gene, results from a T to G substitution at nucleotide position 1746. The serine at codon 582 is replaced by arginine, an amino acid with dissimilar properties. This amino acid position is conserved. In addition, this alteration is predicted to be tolerated by in silico analysis. Since supporting evidence is limited at this time, the clinical significance of this alteration remains unclear.

Labcorp Genetics (formerly Invitae), Labcorp
Classification: Uncertain significance for Tumor predisposition syndrome 3. Last evaluated: 2022-12-03. Review status: criteria provided, single submitter. Criteria: Invitae Variant Classification Sherloc (09022015). Collection method: clinical testing. Allele origin: germline.
Comment: ClinVar contains an entry for this variant (Variation ID: 1524748). In summary, the available evidence is currently insufficient to determine the role of this variant in disease. Therefore, it has been classified as a Variant of Uncertain Significance. Advanced modeling of protein sequence and biophysical properties (such as structural, functional, and spatial information, amino acid conservation, physicochemical variation, residue mobility, and thermodynamic stability) performed at Invitae indicates that this missense variant is not expected to disrupt POT1 protein function. This variant has not been reported in the literature in individuals affected with POT1-related conditions. This variant is not present in population databases (gnomAD no frequency). This sequence change replaces serine, which is neutral and polar, with arginine, which is basic and polar, at codon 582 of the POT1 protein (p.Ser582Arg).

NM_015450.3(POT1):c.1746T>G (p.Ser582Arg)

Gene: POT1 (protection of telomeres 1; minus strand). Cytogenetic location: 7q31.33.
Variant type: single nucleotide variant.
Coding change: c.1746T>G on transcript NM_015450.3 (MANE Select); coding-DNA position 1746, T replaced by G.
Protein change: p.Ser582Arg; replaces serine 582 with arginine.
Molecular consequence: missense variant. On other transcripts: non-coding transcript variant (3).
Genome position (GRCh38, 1-based): chr7:124,825,298, A>C on the plus strand (T>G on the coding strand, the complement: POT1 is on the minus strand). VCF-style: chr7-124825298-A-C. GRCh37 (hg19) VCF-style: chr7-124465352-A-C.
Other names: c.1353T>G, p.Ser451Arg (NM_001042594.2); c.1746T>G (NM_015450.2); short protein forms S582R, S451R.
Identifiers: ClinVar variation 1524748 (VCV001524748.10), dbSNP rs1222395233, ClinGen allele CA369062297.